The following is an entry in ClinVar:

NM_001009944.3(PKD1):c.2098-3C>T

Gene: PKD1 (polycystin 1, transient receptor potential channel interacting; minus strand). Cytogenetic location: 16p13.3.
Variant type: single nucleotide variant.
Coding change: c.2098-3C>T on transcript NM_001009944.3 (MANE Select); 3 bases into the intron before coding-DNA position 2098, C replaced by T.
Molecular consequence: intron variant.
Genome position (GRCh38, 1-based): chr16:2,114,928, G>A on the plus strand (C>T on the coding strand, the complement: PKD1 is on the minus strand). VCF-style: chr16-2114928-G-A. GRCh37 (hg19) VCF-style: chr16-2164929-G-A.
Other names: c.2098-3C>T (NM_000296.4).
Identifiers: ClinVar variation 433950 (VCV000433950.3), dbSNP rs1295368570, ClinGen allele CA492974714.

ClinVar aggregate classification (germline): Likely benign (0 of 4 stars; one submission).

Conditions:
Polycystic kidney disease. Also called: Kidney, Polycystic; Polycystic kidney dysplasia. Identifiers: MedGen C0022680, MeSH D007690, MONDO:0020642, HP:0000113.

Allele frequency attached by ClinVar (database versions not stated): TOPMed 0.00002; gnomAD 0.00003 and 0.00004; gnomAD exomes 0.00003 and 0.00004.
gnomAD v4.1: 41 of 1,529,990 alleles (0.0027%); highest among the groups gnomAD compares: East Asian, 0.0097%; no homozygotes.

Submission:

Department of Pathology and Laboratory Medicine, Sinai Health System
Classification: Likely benign for Polycystic Kidney disease. Review status: no assertion criteria provided. Collection method: clinical testing. Allele origin: unknown. Affected: yes. Observed: 1 variant allele. Study: The Canadian Open Genetics Repository (COGR).
Comment: The PKD1 c.2098-3C>T variant was not identified in the literature nor was it identified in dbSNP, Clinvitae database, the ClinVar database, GeneInsight COGR database, ADPKD Mutation Database, PKD1-LOVD, PKD1-LOVD 3.0, 1000 Genomes Project, NHLBI GO Exome Sequencing Project (ESP), and the Exome Aggregation Consortium database (March 14, 2016). The c.2098-3C>T variant is located in the 3' splice region but does not affect the invariant -1 and -2 positions. However, positions -3 and -5 to -12 are part of the splicing consensus sequence and variants involving these positions sometimes affect splicing. In silico or computational prediction software programs (SpliceSiteFinder, MaxEntScan, NNSPLICE, GeneSplicer, HumanSpliceFinder) do not predict the abolishment of the consensus splice site; however, HumanSpliceFinder, MaxEntScan and GeneSplicer predict the loss of a 5' cryptic donor splice site at this position and we cannot eliminate the possibility that an exon splice enhancer was modified and may lead to abnormal splicing or creation of a cryptic splice site. In summary, based on the above information, the clinical significance of this variant cannot be determined with certainty at this time although we would lean towards a more benign role for this variant. This variant is classified as likely benign.